The following is an entry in ClinVar:

ClinVar aggregate classification (germline): Uncertain significance (1 of 4 stars; one submission).

Allele frequency attached by ClinVar (database versions not stated): gnomAD exomes below 0.00001; ExAC 0.00001; gnomAD 0.00001.
gnomAD v4.1: 3 of 1,611,716 alleles (0.00019%); highest among the groups gnomAD compares: South Asian, 0.0022%; no homozygotes.

Submission:

Labcorp Genetics (formerly Invitae), Labcorp
Classification: Uncertain significance. Last evaluated: 2024-11-20. Review status: criteria provided, single submitter. Criteria: Invitae Variant Classification Sherloc (09022015). Collection method: clinical testing. Allele origin: germline.
Comment: This sequence change replaces lysine, which is basic and polar, with asparagine, which is neutral and polar, at codon 615 of the GSN protein (p.Lys615Asn). This variant is present in population databases (rs761716107, gnomAD 0.007%). This variant has not been reported in the literature in individuals affected with GSN-related conditions. ClinVar contains an entry for this variant (Variation ID: 1946985). Invitae Evidence Modeling of protein sequence and biophysical properties (such as structural, functional, and spatial information, amino acid conservation, physicochemical variation, residue mobility, and thermodynamic stability) indicates that this missense variant is not expected to disrupt GSN protein function with a negative predictive value of 80%. In summary, the available evidence is currently insufficient to determine the role of this variant in disease. Therefore, it has been classified as a Variant of Uncertain Significance.

NM_198252.3(GSN):c.1692G>C (p.Lys564Asn)

Gene: GSN (gelsolin; plus strand). Cytogenetic location: 9q33.2.
Variant type: single nucleotide variant.
Coding change: c.1692G>C on transcript NM_198252.3 (MANE Select); coding-DNA position 1692, G replaced by C.
Protein change: p.Lys564Asn; replaces lysine 564 with asparagine.
Molecular consequence: missense variant.
Genome position (GRCh38, 1-based): chr9:121,327,412, G>C. VCF-style: chr9-121327412-G-C. GRCh37 (hg19) VCF-style: chr9-124089690-G-C.
Other names: c.1845G>C, p.Lys615Asn (NM_000177.5); c.1692G>C, p.Lys564Asn (NM_001127662.2, NM_001127664.2, NM_001127665.2 and 10 more transcripts); c.1800G>C, p.Lys600Asn (NM_001127663.2); c.1725G>C, p.Lys575Asn (NM_001127666.2, NM_001127667.2, NM_001353063.2 and 13 more transcripts); c.1743G>C, p.Lys581Asn (NM_001258029.2); c.1716G>C, p.Lys572Asn (NM_001258030.2); c.1764G>C, p.Lys588Asn (NM_001353076.2); c.1038G>C, p.Lys346Asn (NM_001353078.2); short protein forms K346N, K572N, K575N, K600N, K615N, K564N, K588N, K581N.
Identifiers: ClinVar variation 1946985 (VCV001946985.5), dbSNP rs761716107, ClinGen allele CA5221383.